The following is an entry in ClinVar:

NM_000535.7(PMS2):c.1994G>C (p.Arg665Thr)

Gene: PMS2 (PMS1 homolog 2, mismatch repair system component; minus strand). Cytogenetic location: 7p22.1.
Variant type: single nucleotide variant.
Coding change: c.1994G>C on transcript NM_000535.7 (MANE Select); coding-DNA position 1994, G replaced by C.
Protein change: p.Arg665Thr; replaces arginine 665 with threonine.
Molecular consequence: missense variant. On other transcripts: non-coding transcript variant (1), intron variant (1).
Genome position (GRCh38, 1-based): chr7:5,986,771, C>G on the plus strand (G>C on the coding strand, the complement: PMS2 is on the minus strand). VCF-style: chr7-5986771-C-G. GRCh37 (hg19) VCF-style: chr7-6026402-C-G.
Other names: c.1670G>C, p.Arg557Thr (NM_001406884.1); c.1658G>C, p.Arg553Thr (NM_001406885.1); c.1628G>C, p.Arg543Thr (NM_001406886.1); c.1589G>C, p.Arg530Thr (NM_001406887.1, NM_001406888.1, NM_001406889.1 and 16 more transcripts); c.1676G>C, p.Arg559Thr (NM_001406903.1, NM_001322007.2, NM_001322008.2 and 2 more transcripts); c.1481G>C, p.Arg494Thr (NM_001406904.1, NM_001406905.1); c.1433G>C, p.Arg478Thr (NM_001406906.1, NM_001406907.1, NM_001322010.2); c.1421G>C, p.Arg474Thr (NM_001406909.1, NM_001322013.2); and 13 more; short protein forms R354T, R474T, R543T, R599T, R613T, R494T, R553T, R559T.
Identifiers: ClinVar variation 4842989 (VCV004842989.1).

ClinVar aggregate classification (germline): Uncertain significance (1 of 4 stars; one submission).

Conditions:
Hereditary cancer-predisposing syndrome. Also called: Neoplastic Syndromes, Hereditary; Tumor predisposition; Hereditary Cancer Syndrome; Hereditary neoplastic syndrome. Identifiers: Orphanet 140162, MedGen C0027672, MeSH D009386, MONDO:0015356.

Submission:

Ambry Genetics
Classification: Uncertain significance for Hereditary cancer-predisposing syndrome. Last evaluated: 2025-12-22. Review status: criteria provided, single submitter. Criteria: Ambry Variant Classification Scheme 2023. Collection method: clinical testing. Allele origin: germline.
Comment: The p.R665T variant (also known as c.1994G>C), located in coding exon 11 of the PMS2 gene, results from a G to C substitution at nucleotide position 1994. The arginine at codon 665 is replaced by threonine, an amino acid with similar properties. This amino acid position is conserved. In addition, the in silico prediction for this alteration is inconclusive. Based on the available evidence, the clinical significance of this variant remains unclear.